The following is an entry in ClinVar:

NM_201253.3(CRB1):c.3950del (p.Asn1317fs)

Gene: CRB1 (crumbs cell polarity complex component 1; plus strand). Cytogenetic location: 1q31.3.
Variant type: Deletion.
Coding change: c.3950del on transcript NM_201253.3 (MANE Select); coding-DNA position 3950, one base deleted (A; older notation c.3950delA).
Protein change: p.Asn1317fs; shifts the reading frame from asparagine 1317.
Molecular consequence: frameshift variant. On other transcripts: non-coding transcript variant (2).
Genome position (GRCh38, 1-based): chr1:197,442,237, A deleted; the last of 2 consecutive A bases (chr1:197,442,236-197,442,237); deleting either gives the same sequence. VCF-style (leftmost placement, unchanged base first): chr1-197442235-CA-C. GRCh37 (hg19) VCF-style: chr1-197411365-CA-C.
Other names: c.3614del, p.Asn1205fs (NM_001193640.2); c.3878del, p.Asn1293fs (NM_001257965.2); c.2342del, p.Asn781fs (NM_001257966.2); short protein forms N1205fs, N1293fs, N1317fs, N781fs.
Identifiers: ClinVar variation 2953637 (VCV002953637.3), dbSNP rs2528244159, ClinGen allele CA2740090456.
Genomic context (GRCh38, chr1:197,442,235, plus strand): 5'-GGACATTGATGAGTGTGCCTCTGATCCGTGTGTCAATGGAGGTCTGTGCCAGGACTTACT[CA>C]ACAAATTCCAGTGCCTCTGTGATGTTGCCTTTGCTGGCGAGCGCTGCGAGGTGGACGTAA-3'

ClinVar aggregate classification (germline): Pathogenic (1 of 4 stars; one submission).

Conditions:
Retinitis pigmentosa 12 (RP12). Also called: RP WITH OR WITHOUT PPRPE; RP WITH OR WITHOUT PRESERVED PARAARTERIOLE RETINAL PIGMENT EPITHELIUM; RETINITIS PIGMENTOSA WITH OR WITHOUT PARAARTERIOLAR PRESERVATION OF RETINAL PIGMENT EPITHELIUM. Identifiers: Orphanet 791, MedGen C1838647, MONDO:0010818, OMIM 600105.
Leber congenital amaurosis 8 (LCA8). Identifiers: Orphanet 65, MedGen C3151202, MONDO:0013453, OMIM 613835.

Submission:

Labcorp Genetics (formerly Invitae), Labcorp
Classification: Pathogenic for Leber congenital amaurosis 8; Retinitis pigmentosa 12. Last evaluated: 2023-11-13. Review status: criteria provided, single submitter. Criteria: Invitae Variant Classification Sherloc (09022015). Collection method: clinical testing. Allele origin: germline.
Comment: This sequence change creates a premature translational stop signal (p.Asn1317Thrfs*24) in the CRB1 gene. While this is not anticipated to result in nonsense mediated decay, it is expected to disrupt the last 90 amino acid(s) of the CRB1 protein. This variant is not present in population databases (gnomAD no frequency). This variant has not been reported in the literature in individuals affected with CRB1-related conditions. Algorithms developed to predict the effect of sequence changes on RNA splicing suggest that this variant may disrupt the consensus splice site. This variant disrupts a region of the CRB1 protein in which other variant(s) (p.Arg1390*) have been determined to be pathogenic (PMID: 23379534, 24715753, 29068479). This suggests that this is a clinically significant region of the protein, and that variants that disrupt it are likely to be disease-causing. For these reasons, this variant has been classified as Pathogenic.

Literature cited by the submitters: PubMed 23379534; PubMed 24715753; PubMed 29068479.